The following is an entry in ClinVar:

ClinVar aggregate classification (germline): Uncertain significance (1 of 4 stars; one submission).

Conditions:
Cardiovascular phenotype. Identifiers: MedGen CN230736.

Submission:

Ambry Genetics
Classification: Uncertain significance for Cardiovascular phenotype. Last evaluated: 2024-11-30. Review status: criteria provided, single submitter. Criteria: Ambry Variant Classification Scheme 2023. Collection method: clinical testing. Allele origin: germline.
Comment: The p.C421W variant (also known as c.1263C>G), located in coding exon 2 of the TNXB gene, results from a C to G substitution at nucleotide position 1263. The cysteine at codon 421 is replaced by tryptophan, an amino acid with highly dissimilar properties. This amino acid position is conserved. In addition, the in silico prediction for this alteration is inconclusive. Based on the available evidence, the clinical significance of this variant remains unclear.

NM_001365276.2(TNXB):c.1263C>G (p.Cys421Trp)

Gene: TNXB (tenascin XB; minus strand). Cytogenetic location: 6p21.33.
Variant type: single nucleotide variant.
Coding change: c.1263C>G on transcript NM_001365276.2 (MANE Select); coding-DNA position 1263, C replaced by G.
Protein change: p.Cys421Trp; replaces cysteine 421 with tryptophan.
Molecular consequence: missense variant.
Genome position (GRCh38, 1-based): chr6:32,096,590, G>C on the plus strand (C>G on the coding strand, the complement: TNXB is on the minus strand). VCF-style: chr6-32096590-G-C. GRCh37 (hg19) VCF-style: chr6-32064367-G-C.
Other names: c.1263C>G, p.Cys421Trp (NM_001428335.1, NM_019105.8); short protein forms C421W.
Identifiers: ClinVar variation 3459919 (VCV003459919.1).